The following is an entry in ClinVar:

ClinVar aggregate classification (germline): Uncertain significance (1 of 4 stars; one submission).

Submission:

GeneDx
Classification: Uncertain significance. Last evaluated: 2019-11-08. Review status: criteria provided, single submitter. Criteria: GeneDx Variant Classification Process June 2021. Collection method: clinical testing. Allele origin: germline. Affected: yes.
Comment: Not observed in large population cohorts (Lek et al., 2016); In silico analysis, which includes protein predictors and evolutionary conservation, supports that this variant does not alter protein structure/function; Has not been previously published as pathogenic or benign to our knowledge

NM_001256789.3(CACNA1F):c.2647A>C (p.Ile883Leu)

Gene: CACNA1F (calcium voltage-gated channel subunit alpha1 F; minus strand). Cytogenetic location: Xp11.23.
Variant type: single nucleotide variant.
Coding change: c.2647A>C on transcript NM_001256789.3 (MANE Select); coding-DNA position 2647, A replaced by C.
Protein change: p.Ile883Leu; replaces isoleucine 883 with leucine.
Molecular consequence: missense variant.
Genome position (GRCh38, 1-based): chrX:49,219,347, T>G on the plus strand (A>C on the coding strand, the complement: CACNA1F is on the minus strand). VCF-style: chrX-49219347-T-G. GRCh37 (hg19) VCF-style: chrX-49075806-T-G.
Other names: c.2485A>C, p.Ile829Leu (NM_001256790.3); c.2680A>C, p.Ile894Leu (NM_005183.4); short protein forms I829L, I883L, I894L.
Identifiers: ClinVar variation 1309705 (VCV001309705.2), dbSNP rs2147909595, ClinGen allele CA412965213.